The following is an entry in ClinVar:

ClinVar aggregate classification (germline): Uncertain significance (1 of 4 stars; one submission).

Conditions:
Charcot-Marie-Tooth disease axonal type 2P. Also called: CHARCOT-MARIE-TOOTH NEUROPATHY, TYPE 2P; Charcot-Marie-Tooth Neuropathy Type 2G; CHARCOT-MARIE-TOOTH DISEASE, AXONAL, TYPE 2G; CMT 2G. Identifiers: Orphanet 300319, Orphanet 99941, MedGen C3280797, MONDO:0013753, OMIM 614436.

gnomAD v4.1: 2 of 1,612,080 alleles (0.00012%); highest among the groups gnomAD compares: South Asian, 0.0022%; no homozygotes.

Submission:

Labcorp Genetics (formerly Invitae), Labcorp
Classification: Uncertain significance for Charcot-Marie-Tooth disease axonal type 2P. Last evaluated: 2022-05-18. Review status: criteria provided, single submitter. Criteria: Invitae Variant Classification Sherloc (09022015). Collection method: clinical testing. Allele origin: germline.
Comment: This sequence change replaces isoleucine, which is neutral and non-polar, with asparagine, which is neutral and polar, at codon 123 of the LRSAM1 protein (p.Ile123Asn). This variant is present in population databases (rs542497718, gnomAD 0.006%). In summary, the available evidence is currently insufficient to determine the role of this variant in disease. Therefore, it has been classified as a Variant of Uncertain Significance. Algorithms developed to predict the effect of missense changes on protein structure and function (SIFT, PolyPhen-2, Align-GVGD) all suggest that this variant is likely to be disruptive. This variant has not been reported in the literature in individuals affected with LRSAM1-related conditions.

NM_001005373.4(LRSAM1):c.368T>A (p.Ile123Asn)

Gene: LRSAM1 (leucine rich repeat and sterile alpha motif containing 1; plus strand). Cytogenetic location: 9q33.3.
Variant type: single nucleotide variant.
Coding change: c.368T>A on transcript NM_001005373.4 (MANE Select); coding-DNA position 368, T replaced by A.
Protein change: p.Ile123Asn; replaces isoleucine 123 with asparagine.
Molecular consequence: missense variant. On other transcripts: 5 prime UTR variant (1), non-coding transcript variant (2).
Genome position (GRCh38, 1-based): chr9:127,461,219, T>A. VCF-style: chr9-127461219-T-A. GRCh37 (hg19) VCF-style: chr9-130223498-T-A.
Other names: c.368T>A, p.Ile123Asn (NM_001005374.4, NM_001190723.3, NM_001384142.1 and 2 more transcripts); c.-417T>A (NM_001384144.1); short protein forms I123N.
Identifiers: ClinVar variation 2416978 (VCV002416978.5), dbSNP rs542497718, ClinGen allele CA5246522.